The following is an entry in ClinVar:

NM_006079.5(CITED2):c.582C>T (p.Gly194=)

Genes: CITED2 (Cbp/p300 interacting transactivator with ED-rich tail 2; minus strand), LOC129997307 (ATAC-STARR-seq lymphoblastoid silent region 17609; plus strand). Cytogenetic location: 6q24.1.
Variant type: single nucleotide variant.
Coding change: c.582C>T on transcript NM_006079.5 (MANE Select); coding-DNA position 582, C replaced by T.
Protein change: p.Gly194=; no amino-acid change (glycine 194 retained).
Molecular consequence: synonymous variant.
Genome position (GRCh38, 1-based): chr6:139,373,363, G>A on the plus strand (C>T on the coding strand, the complement: CITED2 is on the minus strand). VCF-style: chr6-139373363-G-A. GRCh37 (hg19) VCF-style: chr6-139694500-G-A.
Other names: c.597C>T (NM_001168389.2); c.582C>T, p.Gly194= (NM_001168388.3); c.597C>T, p.Gly199= (NM_001168389.3).
Identifiers: ClinVar variation 717442 (VCV000717442.43), dbSNP rs530008417, ClinGen allele CA4025573.

ClinVar aggregate classification (germline): Benign/Likely benign. Review status: criteria provided, multiple submitters, no conflicts (2 of 4 stars). 4 submissions from 4 submitters: Benign (1); Likely benign (2). 1 of the submissions does not count toward it. Last evaluated 2024-11-26.

Conditions:
CITED2-related disorder. Also called: CITED2-related condition.

Allele frequency attached by ClinVar (database versions not stated): 1000 Genomes Project 0.00080; ExAC 0.00183; gnomAD exomes 0.00221; gnomAD 0.00228; TOPMed 0.00272.

Submissions (4):

Blueprint Genetics
Classification: Likely benign. Last evaluated: 2024-11-26. Review status: criteria provided, single submitter. Criteria: ACMG Guidelines, 2015. Collection method: clinical testing. Allele origin: germline.

CeGaT Center for Human Genetics Tuebingen
Classification: Likely benign. Last evaluated: 2024-06-01. Review status: criteria provided, single submitter. Criteria: CeGaT Center For Human Genetics Tuebingen Variant Classification Criteria Version 2. Collection method: clinical testing. Allele origin: germline. Affected: yes. Observed: 3 variant alleles.
Comment: CITED2: BP4, BP7, BS2

Labcorp Genetics (formerly Invitae), Labcorp
Classification: Benign. Last evaluated: 2019-12-31. Review status: criteria provided, single submitter. Criteria: Invitae Variant Classification Sherloc (09022015). Collection method: clinical testing. Allele origin: germline.

PreventionGenetics, part of Exact Sciences
Classification: Likely benign for CITED2-related condition. Last evaluated: 2020-01-03. Review status: no assertion criteria provided. Collection method: clinical testing. Allele origin: germline. Not counted in ClinVar's aggregate classification.
Comment: This variant is classified as likely benign based on ACMG/AMP sequence variant interpretation guidelines (Richards et al. 2015 PMID: 25741868, with internal and published modifications).